The following is an entry in ClinVar:

NM_001375524.1(TRRAP):c.7075A>T (p.Thr2359Ser)

Gene: TRRAP (transformation/transcription domain associated protein; plus strand). Cytogenetic location: 7q22.1.
Variant type: single nucleotide variant.
Coding change: c.7075A>T on transcript NM_001375524.1 (MANE Select); coding-DNA position 7075, A replaced by T.
Protein change: p.Thr2359Ser; replaces threonine 2359 with serine.
Molecular consequence: missense variant.
Genome position (GRCh38, 1-based): chr7:98,965,794, A>T. VCF-style: chr7-98965794-A-T. GRCh37 (hg19) VCF-style: chr7-98563417-A-T.
Other names: c.7054A>T, p.Thr2352Ser (NM_001244580.2); c.7000A>T, p.Thr2334Ser (NM_003496.4); short protein forms T2359S, T2334S, T2352S.
Identifiers: ClinVar variation 4693090 (VCV004693090.1).

ClinVar aggregate classification (germline): Uncertain significance (1 of 4 stars; one submission).

gnomAD v4.1: 8 of 1,614,120 alleles (0.0005%); highest among the groups gnomAD compares: African/African-American, 0.0013%; no homozygotes.

Submission:

Labcorp Genetics (formerly Invitae), Labcorp
Classification: Uncertain significance. Last evaluated: 2025-06-12. Review status: criteria provided, single submitter. Criteria: Invitae Variant Classification Sherloc (09022015). Collection method: clinical testing. Allele origin: germline.
Comment: This sequence change replaces threonine, which is neutral and polar, with serine, which is neutral and polar, at codon 2334 of the TRRAP protein (p.Thr2334Ser). This variant is present in population databases (no rsID available, gnomAD 0.0009%). This variant has not been reported in the literature in individuals affected with TRRAP-related conditions. Invitae Evidence Modeling of protein sequence and biophysical properties (such as structural, functional, and spatial information, amino acid conservation, physicochemical variation, residue mobility, and thermodynamic stability) indicates that this missense variant is not expected to disrupt TRRAP protein function with a negative predictive value of 80%. In summary, the available evidence is currently insufficient to determine the role of this variant in disease. Therefore, it has been classified as a Variant of Uncertain Significance.